The following is an entry in ClinVar:

ClinVar aggregate classification (germline): Uncertain significance (1 of 4 stars; one submission).

Conditions:
Pierpont syndrome (PRPTS). Identifiers: Orphanet 487825, MedGen C1865644, MONDO:0011213, OMIM 602342.

Submission:

Labcorp Genetics (formerly Invitae), Labcorp
Classification: Uncertain significance for Pierpont syndrome. Last evaluated: 2023-10-27. Review status: criteria provided, single submitter. Criteria: Invitae Variant Classification Sherloc (09022015). Collection method: clinical testing. Allele origin: germline.
Comment: This sequence change replaces lysine, which is basic and polar, with arginine, which is basic and polar, at codon 276 of the TBL1XR1 protein (p.Lys276Arg). This variant is not present in population databases (gnomAD no frequency). This variant has not been reported in the literature in individuals affected with TBL1XR1-related conditions. ClinVar contains an entry for this variant (Variation ID: 2101009). Advanced modeling of protein sequence and biophysical properties (such as structural, functional, and spatial information, amino acid conservation, physicochemical variation, residue mobility, and thermodynamic stability) performed at Invitae indicates that this missense variant is not expected to disrupt TBL1XR1 protein function with a negative predictive value of 95%. In summary, the available evidence is currently insufficient to determine the role of this variant in disease. Therefore, it has been classified as a Variant of Uncertain Significance.

NM_024665.7(TBL1XR1):c.827A>G (p.Lys276Arg)

Genes: TBL1XR1 (TBL1X/Y related 1; minus strand), TBL1XR1-AS1 (TBL1XR1 antisense RNA 1; plus strand). Cytogenetic location: 3q26.32.
Variant type: single nucleotide variant.
Coding change: c.827A>G on transcript NM_024665.7 (MANE Select); coding-DNA position 827, A replaced by G.
Protein change: p.Lys276Arg; replaces lysine 276 with arginine.
Molecular consequence: missense variant.
Genome position (GRCh38, 1-based): chr3:177,047,337, T>C on the plus strand (A>G on the coding strand, the complement: TBL1XR1 is on the minus strand). VCF-style: chr3-177047337-T-C. GRCh37 (hg19) VCF-style: chr3-176765125-T-C.
Other names: c.827A>G, p.Lys276Arg (NM_001321193.3, NM_001321194.3, NM_001374327.1 and 2 more transcripts); c.566A>G, p.Lys189Arg (NM_001321195.3, NM_001374330.1); short protein forms K276R, K189R.
Identifiers: ClinVar variation 2101009 (VCV002101009.4), dbSNP rs2473700696, ClinGen allele CA355552064.